The following is an entry in ClinVar:

NM_001134363.3(RBM20):c.1201G>A (p.Asp401Asn)

Gene: RBM20 (RNA binding motif protein 20; plus strand). Cytogenetic location: 10q25.2.
Variant type: single nucleotide variant.
Coding change: c.1201G>A on transcript NM_001134363.3 (MANE Select); coding-DNA position 1201, G replaced by A.
Protein change: p.Asp401Asn; replaces aspartic acid 401 with asparagine.
Molecular consequence: missense variant.
Genome position (GRCh38, 1-based): chr10:110,781,810, G>A. VCF-style: chr10-110781810-G-A. GRCh37 (hg19) VCF-style: chr10-112541568-G-A.
Other names: short protein forms D401N.
Identifiers: ClinVar variation 470585 (VCV000470585.14), dbSNP rs950210735, ClinGen allele CA213235155.

ClinVar aggregate classification (germline): Uncertain significance. Review status: criteria provided, multiple submitters, no conflicts (2 of 4 stars). 5 submissions from 5 submitters: Uncertain significance (5). Last evaluated 2026-03-27.

Conditions:
Cardiovascular phenotype. Identifiers: MedGen CN230736.
Dilated cardiomyopathy 1DD (CMD1DD). Identifiers: Orphanet 154, MedGen C2750995, MONDO:0013168, OMIM 613172.

Allele frequency attached by ClinVar (database versions not stated): gnomAD exomes 0.00001; gnomAD 0.00002; TOPMed below 0.00001.
gnomAD v4.1: 18 of 1,551,662 alleles (0.0012%); highest among the groups gnomAD compares: South Asian, 0.0048%; no homozygotes.

Submissions (5):

Molecular Diagnostic Laboratory for Inherited Cardiovascular Disease, Montreal Heart Institute
Classification: Uncertain significance for Cardiovascular phenotype. Last evaluated: 2026-03-27. Review status: criteria provided, single submitter. Criteria: ACMG Guidelines, 2015. Collection method: clinical testing. Allele origin: germline. Affected: yes.
Comment: PM2

Labcorp Genetics (formerly Invitae), Labcorp
Classification: Uncertain significance for Dilated cardiomyopathy 1DD. Last evaluated: 2024-08-15. Review status: criteria provided, single submitter. Criteria: Invitae Variant Classification Sherloc (09022015). Collection method: clinical testing. Allele origin: germline.
Comment: This sequence change replaces aspartic acid, which is acidic and polar, with asparagine, which is neutral and polar, at codon 401 of the RBM20 protein (p.Asp401Asn). This variant is present in population databases (no rsID available, gnomAD 0.002%). This variant has not been reported in the literature in individuals affected with RBM20-related conditions. ClinVar contains an entry for this variant (Variation ID: 470585). Invitae Evidence Modeling of protein sequence and biophysical properties (such as structural, functional, and spatial information, amino acid conservation, physicochemical variation, residue mobility, and thermodynamic stability) has been performed for this missense variant. However, the output from this modeling did not meet the statistical confidence thresholds required to predict the impact of this variant on RBM20 protein function. In summary, the available evidence is currently insufficient to determine the role of this variant in disease. Therefore, it has been classified as a Variant of Uncertain Significance.

ARUP Laboratories, Molecular Genetics and Genomics, ARUP Laboratories
Classification: Uncertain significance for Dilated cardiomyopathy 1DD. Last evaluated: 2023-12-14. Review status: criteria provided, single submitter. Criteria: ARUP Molecular Germline Variant Investigation Process 2024. Collection method: clinical testing. Allele origin: germline.
Comment: The RBM20 c.1201G>A; p.Asp401Asn variant (rs950210735), to our knowledge, is not reported in the medical literature but is reported in ClinVar (Variation ID: 470585). This variant is only observed on one allele in the Genome Aggregation Database (v2.1.1), indicating it is not a common polymorphism. Computational analyses are uncertain whether this variant is neutral or deleterious (REVEL: 0.581). Due to limited information, the clinical significance of this variant is uncertain at this time.

Ambry Genetics
Classification: Uncertain significance for Cardiovascular phenotype. Last evaluated: 2023-09-08. Review status: criteria provided, single submitter. Criteria: Ambry Variant Classification Scheme 2023. Collection method: clinical testing. Allele origin: germline.
Comment: The p.D401N variant (also known as c.1201G>A), located in coding exon 2 of the RBM20 gene, results from a G to A substitution at nucleotide position 1201. The aspartic acid at codon 401 is replaced by asparagine, an amino acid with highly similar properties. This amino acid position is conserved. In addition, the in silico prediction for this alteration is inconclusive. Since supporting evidence is limited at this time, the clinical significance of this alteration remains unclear.

Fulgent Genetics
Classification: Uncertain significance for Dilated cardiomyopathy 1DD. Last evaluated: 2021-10-14. Review status: criteria provided, single submitter. Criteria: ACMG Guidelines, 2015. Collection method: clinical testing. Allele origin: unknown.